The following is an entry in ClinVar:

ClinVar aggregate classification (germline): Uncertain significance (1 of 4 stars; one submission).

Conditions:
Encephalopathy, acute, infection-induced (herpes-specific), susceptibility to, 1. Also called: Herpes simplex encephalitis, susceptibility to, 1. Identifiers: Orphanet 1930, MedGen C2750180, MONDO:0024563, OMIM 610551.

Allele frequency attached by ClinVar (database versions not stated): TOPMed 0.00042; 1000 Genomes Project 30x 0.00078; gnomAD 0.00017; gnomAD exomes 0.00024.
gnomAD v4.1: 222 of 1,472,490 alleles (0.015%); highest among the groups gnomAD compares: Middle Eastern, 0.17%; 1 homozygote.

Submission:

Labcorp Genetics (formerly Invitae), Labcorp
Classification: Uncertain significance for Encephalopathy, acute, infection-induced (herpes-specific), susceptibility to, 1. Last evaluated: 2024-11-11. Review status: criteria provided, single submitter. Criteria: Invitae Variant Classification Sherloc (09022015). Collection method: clinical testing. Allele origin: germline.
Comment: This sequence change replaces glycine, which is neutral and non-polar, with arginine, which is basic and polar, at codon 593 of the UNC93B1 protein (p.Gly593Arg). This variant is present in population databases (no rsID available, gnomAD 0.08%). This variant has not been reported in the literature in individuals affected with UNC93B1-related conditions. ClinVar contains an entry for this variant (Variation ID: 834530). An algorithm developed to predict the effect of missense changes on protein structure and function outputs the following: PolyPhen-2: "Not Available". The arginine amino acid residue is found in multiple mammalian species, which suggests that this missense change does not adversely affect protein function. In summary, the available evidence is currently insufficient to determine the role of this variant in disease. Therefore, it has been classified as a Variant of Uncertain Significance.

NM_030930.4(UNC93B1):c.1777G>A (p.Gly593Arg)

Gene: UNC93B1 (unc-93B1 regulator of TLR signaling; minus strand). Cytogenetic location: 11q13.2.
Variant type: single nucleotide variant.
Coding change: c.1777G>A on transcript NM_030930.4 (MANE Select); coding-DNA position 1777, G replaced by A.
Protein change: p.Gly593Arg; replaces glycine 593 with arginine.
Molecular consequence: missense variant.
Genome position (GRCh38, 1-based): chr11:67,991,563, C>T on the plus strand (G>A on the coding strand, the complement: UNC93B1 is on the minus strand). VCF-style: chr11-67991563-C-T. GRCh37 (hg19) VCF-style: chr11-67759034-C-T.
Other names: short protein forms G593R.
Identifiers: ClinVar variation 834530 (VCV000834530.7), dbSNP rs964738111, ClinGen allele CA224210585.
Genomic context (GRCh38, chr11:67,991,563, plus strand): 5'-GGCCGGCGAGGAGGGAGGCTGAGTCCGGGGACCAGGCGGCCCCTCACTGCTCCTCCGGCC[C>T]GTCTCCCCCCTGCGCCTGTTCGTACGGGCAGGGCCGGCGGCCGAGTCCAGCGGGCTCGGG-3'
Protein context (NP_112192.2, residues 583-597): CPYEQAQGGD[Gly593Arg]PEEQ